The following is an entry in ClinVar:

ClinVar aggregate classification (germline): Conflicting classifications of pathogenicity. Review status: criteria provided, conflicting classifications (1 of 4 stars). 3 submissions from 3 submitters: Uncertain significance (2); Likely benign (1). Last evaluated 2025-08-15.

Conditions:
KIF5A-related disorder. Also called: KIF5A-related disorders; KIF5A-related condition.
Spastic paraplegia. Identifiers: MedGen C0037772, HP:0001258.

Allele frequency attached by ClinVar (database versions not stated): gnomAD exomes below 0.00001 and 0.00001; ExAC 0.00001; gnomAD 0.00001; TOPMed 0.00001.
gnomAD v4.1: 8 of 1,613,698 alleles (0.0005%); highest among the groups gnomAD compares: African/African-American, 0.0013%; no homozygotes.

Submissions (3):

PreventionGenetics, part of Exact Sciences
Classification: Uncertain significance for KIF5A-related condition. Last evaluated: 2025-08-15. Review status: criteria provided, single submitter. Criteria: ACMG Guidelines, 2015. Collection method: clinical testing. Allele origin: germline.
Comment: The KIF5A c.2546G>A variant is predicted to result in the amino acid substitution p.Arg849His. To our knowledge, this variant has not been reported in the literature. This variant is reported in 0.0040% of alleles in individuals of African descent in gnomAD. At this time, the clinical significance of this variant is uncertain due to the absence of conclusive functional and genetic evidence.

Labcorp Genetics (formerly Invitae), Labcorp
Classification: Likely benign for Spastic paraplegia. Last evaluated: 2024-01-21. Review status: criteria provided, single submitter. Criteria: Invitae Variant Classification Sherloc (09022015). Collection method: clinical testing. Allele origin: germline.

GeneDx
Classification: Uncertain significance. Last evaluated: 2022-01-04. Review status: criteria provided, single submitter. Criteria: GeneDx Variant Classification Process June 2021. Collection method: clinical testing. Allele origin: germline. Affected: yes.
Comment: Not observed at significant frequency in large population cohorts (gnomAD); In silico analysis supports that this missense variant has a deleterious effect on protein structure/function; Has not been previously published as pathogenic or benign to our knowledge

NM_004984.4(KIF5A):c.2546G>A (p.Arg849His)

Gene: KIF5A (kinesin family member 5A; plus strand). Cytogenetic location: 12q13.3.
Variant type: single nucleotide variant.
Coding change: c.2546G>A on transcript NM_004984.4 (MANE Select); coding-DNA position 2546, G replaced by A.
Protein change: p.Arg849His; replaces arginine 849 with histidine.
Molecular consequence: missense variant.
Genome position (GRCh38, 1-based): chr12:57,580,963, G>A. VCF-style: chr12-57580963-G-A. GRCh37 (hg19) VCF-style: chr12-57974746-G-A.
Other names: c.2279G>A, p.Arg760His (NM_001354705.2); short protein forms R849H, R760H.
Identifiers: ClinVar variation 1474797 (VCV001474797.9), dbSNP rs765503816, ClinGen allele CA6653159.